The following is an entry in ClinVar:

ClinVar aggregate classification (germline): Likely pathogenic (1 of 4 stars; one submission).

Conditions:
Leukodystrophy, hypomyelinating, 2. Also called: PELIZAEUS-MERZBACHER-LIKE DISEASE, 1. Identifiers: Orphanet 280270, Orphanet 280282, MedGen C1837355, MONDO:0012125, OMIM 608804.

Submission:

Molecular Diagnostics Lab, Nemours Children's Health, Delaware
Classification: Likely pathogenic for Leukodystrophy, hypomyelinating, 2. Last evaluated: 2021-07-14. Review status: criteria provided, single submitter. Criteria: ACMG Guidelines, 2015. Collection method: clinical testing. Allele origin: unknown. Inheritance: Autosomal recessive inheritance. Affected: yes. Observed: 2 compound heterozygotes.
Comment: This variant (c.99delC, p.Phe34Serfs*5) predicts a frameshift to a premature stop codon. It has not been observed in population databases (gnomAD), and is not reported in the literature.

NM_020435.4(GJC2):c.99del (p.Phe34fs)

Gene: GJC2 (gap junction protein gamma 2; plus strand). Cytogenetic location: 1q42.13.
Variant type: Deletion.
Coding change: c.99del on transcript NM_020435.4 (MANE Select); coding-DNA position 99, one base deleted (C; older notation c.99delC).
Protein change: p.Phe34fs; shifts the reading frame from phenylalanine 34.
Molecular consequence: frameshift variant.
Genome position (GRCh38, 1-based): chr1:228,157,857, C deleted. VCF-style (leftmost placement, unchanged base first): chr1-228157856-TC-T. GRCh37 (hg19) VCF-style: chr1-228345557-TC-T.
Other names: short protein forms F34fs.
Identifiers: ClinVar variation 3336783 (VCV003336783.2).
Genomic context (GRCh38, chr1:228,157,856, plus strand): 5'-TGGAGGAGATCCACAACCACTCCACCTTCGTGGGCAAGGTGTGGCTCACGGTGCTGGTGG[TC>T]TTCCGCATCGTGCTGACGGCTGTGGGCGGCGAGGCCATCTACTCGGACGAGCAGGCCAAG-3'